The following is an entry in ClinVar:

NM_014252.4(SLC25A15):c.782-17G>A

Gene: SLC25A15 (solute carrier family 25 member 15; plus strand). Cytogenetic location: 13q14.11.
Variant type: single nucleotide variant.
Coding change: c.782-17G>A on transcript NM_014252.4 (MANE Select); 17 bases into the intron before coding-DNA position 782, G replaced by A.
Molecular consequence: intron variant.
Genome position (GRCh38, 1-based): chr13:40,809,526, G>A. VCF-style: chr13-40809526-G-A. GRCh37 (hg19) VCF-style: chr13-41383662-G-A.
Identifiers: ClinVar variation 507151 (VCV000507151.4), dbSNP rs375356896, ClinGen allele CA6959832.
Genomic context (GRCh38, chr13:40,809,526, plus strand): 5'-TACCTATGCTATGCAGCTGCGTGGGTATCCCCAAAGGAGGGATTGTTGCAGTCTTTGACC[G>A]CCCTTTTATTTGCTAGGAATAACGGCCTTATATTCTGGACTGAAACCTACTATGATTCGA-3'

ClinVar aggregate classification (germline): Likely benign. Review status: criteria provided, multiple submitters, no conflicts (2 of 4 stars). 2 submissions from 2 submitters: Likely benign (2). Last evaluated 2023-08-10.

Conditions:
Hyperornithinemia-hyperammonemia-homocitrullinuria syndrome (HHHS). Also called: Ornithine translocase deficiency; HHH SYNDROME. Identifiers: Orphanet 415, MedGen C0268540, MONDO:0009393, OMIM 238970.

Allele frequency attached by ClinVar (database versions not stated): ExAC 0.00001; gnomAD 0.00001; gnomAD exomes 0.00001 and 0.00006; TOPMed 0.00002.
gnomAD v4.1: 92 of 1,611,782 alleles (0.0057%); highest among the groups gnomAD compares: Non-Finnish European, 0.0072%; no homozygotes.

Submissions (2):

Labcorp Genetics (formerly Invitae), Labcorp
Classification: Likely benign for Hyperornithinemia-hyperammonemia-homocitrullinuria syndrome. Last evaluated: 2023-08-10. Review status: criteria provided, single submitter. Criteria: Invitae Variant Classification Sherloc (09022015). Collection method: clinical testing. Allele origin: germline.

GeneDx
Classification: Likely benign. Last evaluated: 2017-02-10. Review status: criteria provided, single submitter. Criteria: GeneDx Variant Classification (06012015). Collection method: clinical testing. Allele origin: germline. Affected: yes.
Comment: This variant is considered likely benign or benign based on one or more of the following criteria: it is a conservative change, it occurs at a poorly conserved position in the protein, it is predicted to be benign by multiple in silico algorithms, and/or has population frequency not consistent with disease.